The following is an entry in ClinVar:

NM_012200.4(B3GAT3):c.82+3G>A

Gene: B3GAT3 (beta-1,3-glucuronyltransferase 3; minus strand). Cytogenetic location: 11q12.3.
Variant type: single nucleotide variant.
Coding change: c.82+3G>A on transcript NM_012200.4 (MANE Select); 3 bases into the intron after coding-DNA position 82, G replaced by A.
Molecular consequence: intron variant.
Genome position (GRCh38, 1-based): chr11:62,621,863, C>T on the plus strand (G>A on the coding strand, the complement: B3GAT3 is on the minus strand). VCF-style: chr11-62621863-C-T. GRCh37 (hg19) VCF-style: chr11-62389335-C-T.
Other names: c.82+3G>A (NM_001288722.2, NM_001288723.2); c.-179+3G>A (NM_001288721.2).
Identifiers: ClinVar variation 2140203 (VCV002140203.1), dbSNP rs749364485, ClinGen allele CA6050252.

ClinVar aggregate classification (germline): Uncertain significance (1 of 4 stars; one submission).

Conditions:
Larsen-like syndrome, B3GAT3 type. Also called: MULTIPLE JOINT DISLOCATIONS, SHORT STATURE, AND CRANIOFACIAL DYSMORPHISM WITH OR WITHOUT CONGENITAL HEART DEFECTS; Multiple joint dislocations, short stature, craniofacial dysmorphism, with or without congenital heart defects. Identifiers: Orphanet 284139, MedGen CN034159, MONDO:0009511, OMIM 245600.

Allele frequency attached by ClinVar (database versions not stated): ExAC 0.00001.
gnomAD v4.1: 17 of 1,611,260 alleles (0.0011%); highest among the groups gnomAD compares: Non-Finnish European, 0.0014%; no homozygotes.

Submission:

Labcorp Genetics (formerly Invitae), Labcorp
Classification: Uncertain significance for Larsen-like syndrome, B3GAT3 type. Last evaluated: 2022-07-19. Review status: criteria provided, single submitter. Criteria: Invitae Variant Classification Sherloc (09022015). Collection method: clinical testing. Allele origin: germline.
Comment: This sequence change falls in intron 1 of the B3GAT3 gene. It does not directly change the encoded amino acid sequence of the B3GAT3 protein. It affects a nucleotide within the consensus splice site. This variant is present in population databases (rs749364485, gnomAD 0.002%). This variant has not been reported in the literature in individuals affected with B3GAT3-related conditions. Variants that disrupt the consensus splice site are a relatively common cause of aberrant splicing (PMID: 17576681, 9536098). Algorithms developed to predict the effect of sequence changes on RNA splicing suggest that this variant may disrupt the consensus splice site. In summary, the available evidence is currently insufficient to determine the role of this variant in disease. Therefore, it has been classified as a Variant of Uncertain Significance.

Literature cited by the submitters: PubMed 17576681; PubMed 9536098.